The following is an entry in ClinVar:

ClinVar aggregate classification (germline): Uncertain significance (1 of 4 stars; one submission).

Conditions:
Hereditary cancer-predisposing syndrome. Also called: Hereditary Cancer Syndrome; Hereditary neoplastic syndrome; Neoplastic Syndromes, Hereditary; Tumor predisposition. Identifiers: Orphanet 140162, MedGen C0027672, MeSH D009386, MONDO:0015356.

Submission:

Ambry Genetics
Classification: Uncertain significance for Hereditary cancer-predisposing syndrome. Last evaluated: 2026-08-24. Review status: criteria provided, single submitter. Criteria: Ambry Variant Classification Scheme 2023. Collection method: clinical testing. Allele origin: germline.
Comment: The p.Y1241S variant (also known as c.3722A>C), located in coding exon 22 of the PTCH1 gene, results from an A to C substitution at nucleotide position 3722. The tyrosine at codon 1241 is replaced by serine, an amino acid with dissimilar properties. This amino acid position is highly conserved in available vertebrate species. In addition, this alteration is predicted to be deleterious by in silico analysis. Based on the available evidence, the clinical significance of this variant remains unclear.

NM_000264.5(PTCH1):c.3722A>C (p.Tyr1241Ser)

Gene: PTCH1 (patched 1; minus strand). Cytogenetic location: 9q22.32.
Variant type: single nucleotide variant.
Coding change: c.3722A>C on transcript NM_000264.5 (MANE Select); coding-DNA position 3722, A replaced by C.
Protein change: p.Tyr1241Ser; replaces tyrosine 1241 with serine.
Molecular consequence: missense variant. On other transcripts: non-coding transcript variant (1).
Genome position (GRCh38, 1-based): chr9:95,449,151, T>G on the plus strand (A>C on the coding strand, the complement: PTCH1 is on the minus strand). VCF-style: chr9-95449151-T-G. GRCh37 (hg19) VCF-style: chr9-98211433-T-G.
Other names: c.3524A>C, p.Tyr1175Ser (NM_001083602.3); c.3719A>C, p.Tyr1240Ser (NM_001083603.3); c.3269A>C, p.Tyr1090Ser (NM_001083604.3, NM_001083605.3, NM_001083606.3 and 1 more transcripts); c.3566A>C, p.Tyr1189Ser (NM_001354918.2); short protein forms Y1175S, Y1240S, Y1241S, Y1090S, Y1189S.
Identifiers: ClinVar variation 1734307 (VCV001734307.3), dbSNP rs1588517039, ClinGen allele CA374111069.